The following is an entry in ClinVar:

NM_005585.5(SMAD6):c.601G>A (p.Val201Met)

Gene: SMAD6 (SMAD family member 6; plus strand). Cytogenetic location: 15q22.31.
Variant type: single nucleotide variant.
Coding change: c.601G>A on transcript NM_005585.5 (MANE Select); coding-DNA position 601, G replaced by A.
Protein change: p.Val201Met; replaces valine 201 with methionine.
Molecular consequence: missense variant. On other transcripts: non-coding transcript variant (1).
Genome position (GRCh38, 1-based): chr15:66,703,859, G>A. VCF-style: chr15-66703859-G-A. GRCh37 (hg19) VCF-style: chr15-66996197-G-A.
Other names: short protein forms V201M.
Identifiers: ClinVar variation 4741476 (VCV004741476.1).

ClinVar aggregate classification (germline): Uncertain significance (1 of 4 stars; one submission).

Conditions:
Aortic valve disease 2 (AOVD2). Identifiers: MedGen C3542024, MONDO:0013902, OMIM 614823.

Submission:

Labcorp Genetics (formerly Invitae), Labcorp
Classification: Uncertain significance for Aortic valve disease 2. Last evaluated: 2025-05-04. Review status: criteria provided, single submitter. Criteria: Invitae Variant Classification Sherloc (09022015). Collection method: clinical testing. Allele origin: germline.
Comment: This sequence change replaces valine, which is neutral and non-polar, with methionine, which is neutral and non-polar, at codon 201 of the SMAD6 protein (p.Val201Met). This variant is not present in population databases (gnomAD no frequency). This variant has not been reported in the literature in individuals affected with SMAD6-related conditions. Invitae Evidence Modeling of protein sequence and biophysical properties (such as structural, functional, and spatial information, amino acid conservation, physicochemical variation, residue mobility, and thermodynamic stability) indicates that this missense variant is not expected to disrupt SMAD6 protein function with a negative predictive value of 80%. In summary, the available evidence is currently insufficient to determine the role of this variant in disease. Therefore, it has been classified as a Variant of Uncertain Significance.